The following is an entry in ClinVar:

ClinVar aggregate classification (germline): Uncertain significance (1 of 4 stars; one submission).

Conditions:
Susceptibility to respiratory infections associated with CD8alpha chain mutation (IMD116). Also called: Cd8 deficiency, familial; IMMUNODEFICIENCY 116. Identifiers: Orphanet 169085, MedGen C1837065, MONDO:0012161, OMIM 608957.

Allele frequency attached by ClinVar (database versions not stated): gnomAD exomes 0.00001.
gnomAD v4.1: 6 of 1,370,698 alleles (0.00044%); highest among the groups gnomAD compares: Non-Finnish European, 0.00056%; no homozygotes.

Submission:

Labcorp Genetics (formerly Invitae), Labcorp
Classification: Uncertain significance for Susceptibility to respiratory infections associated with CD8alpha chain mutation. Last evaluated: 2022-08-23. Review status: criteria provided, single submitter. Criteria: Invitae Variant Classification Sherloc (09022015). Collection method: clinical testing. Allele origin: germline.
Comment: In summary, the available evidence is currently insufficient to determine the role of this variant in disease. Therefore, it has been classified as a Variant of Uncertain Significance. Algorithms developed to predict the effect of missense changes on protein structure and function are either unavailable or do not agree on the potential impact of this missense change (SIFT: "Tolerated"; PolyPhen-2: "Probably Damaging"; Align-GVGD: "Class C0"). ClinVar contains an entry for this variant (Variation ID: 1481587). This variant has not been reported in the literature in individuals affected with CD8A-related conditions. This variant is not present in population databases (gnomAD no frequency). This sequence change replaces proline, which is neutral and non-polar, with arginine, which is basic and polar, at codon 143 of the CD8A protein (p.Pro143Arg).

NM_001768.7(CD8A):c.428C>G (p.Pro143Arg)

Gene: CD8A (CD8 subunit alpha; minus strand). Cytogenetic location: 2p11.2.
Variant type: single nucleotide variant.
Coding change: c.428C>G on transcript NM_001768.7 (MANE Select); coding-DNA position 428, C replaced by G.
Protein change: p.Pro143Arg; replaces proline 143 with arginine.
Molecular consequence: missense variant. On other transcripts: non-coding transcript variant (3).
Genome position (GRCh38, 1-based): chr2:86,789,726, G>C on the plus strand (C>G on the coding strand, the complement: CD8A is on the minus strand). VCF-style: chr2-86789726-G-C. GRCh37 (hg19) VCF-style: chr2-87016849-G-C.
Other names: c.428C>G, p.Pro143Arg (NM_001145873.1, NM_001382698.1, NM_171827.4); short protein forms P143R.
Identifiers: ClinVar variation 1481587 (VCV001481587.8), dbSNP rs867788977, ClinGen allele CA347576621.